The following is an entry in ClinVar:

ClinVar aggregate classification (germline): Uncertain significance (1 of 4 stars; one submission).

Conditions:
Mucopolysaccharidosis type 1. Also called: IDUA deficiency; MPS I; Mucopolysaccharidosis Type I. Identifiers: Orphanet 579, MedGen C0023786, MONDO:0001586.

Submission:

Labcorp Genetics (formerly Invitae), Labcorp
Classification: Uncertain significance for Mucopolysaccharidosis type 1. Last evaluated: 2025-09-17. Review status: criteria provided, single submitter. Criteria: Invitae Variant Classification Sherloc (09022015). Collection method: clinical testing. Allele origin: germline.
Comment: This sequence change replaces glycine, which is neutral and non-polar, with arginine, which is basic and polar, at codon 562 of the IDUA protein (p.Gly562Arg). This variant is not present in population databases (gnomAD no frequency). This variant has not been reported in the literature in individuals affected with IDUA-related conditions. Invitae Evidence Modeling of protein sequence and biophysical properties (such as structural, functional, and spatial information, amino acid conservation, physicochemical variation, residue mobility, and thermodynamic stability) indicates that this missense variant is expected to disrupt IDUA protein function with a positive predictive value of 80%. In summary, the available evidence is currently insufficient to determine the role of this variant in disease. Therefore, it has been classified as a Variant of Uncertain Significance.

NM_000203.5(IDUA):c.1684G>A (p.Gly562Arg)

Gene: IDUA (alpha-L-iduronidase; plus strand). Cytogenetic location: 4p16.3.
Variant type: single nucleotide variant.
Coding change: c.1684G>A on transcript NM_000203.5 (MANE Select); coding-DNA position 1684, G replaced by A.
Protein change: p.Gly562Arg; replaces glycine 562 with arginine.
Molecular consequence: missense variant. On other transcripts: non-coding transcript variant (1).
Genome position (GRCh38, 1-based): chr4:1,003,582, G>A. VCF-style: chr4-1003582-G-A. GRCh37 (hg19) VCF-style: chr4-997370-G-A.
Other names: c.1288G>A, p.Gly430Arg (NM_001363576.1); short protein forms G562R, G430R.
Identifiers: ClinVar variation 4774257 (VCV004774257.1).
Genomic context (GRCh38, chr4:1,003,582, plus strand): 5'-CGCCATCACAGCCCTTCCCTCCCCCAGGTCACGCGGCTCCGCGCCCTGCCCCTGACCCAA[G>A]GGCAGCTGGTTCTGGTCTGGTCGGATGAACACGTGGGCTCCAAGTGCGTGAGTGGGGCCG-3'
Protein context (NP_000194.2, residues 552-572): TRLRALPLTQ[Gly562Arg]QLVLVWSDEH